The following is an entry in ClinVar:

ClinVar aggregate classification (germline): Benign. Review status: criteria provided, multiple submitters, no conflicts (2 of 4 stars). 3 submissions from 3 submitters: Benign (3). Last evaluated 2026-09-21.

Allele frequency attached by ClinVar (database versions not stated): 1000 Genomes Project 0.15675; gnomAD 0.18962 and 0.19305; ESP Exome Variant Server 0.20860; TOPMed 0.19196; ExAC 0.18673; 1000 Genomes Project 30x 0.16146.

Submissions (3):

Molecular Diagnostic Laboratory for Inherited Cardiovascular Disease, Montreal Heart Institute
Classification: Benign. Last evaluated: 2026-09-21. Review status: criteria provided, single submitter. Criteria: ACMG Guidelines, 2015. Collection method: clinical testing. Allele origin: germline. Affected: no.
Comment: BA1

GeneDx
Classification: Benign. Last evaluated: 2018-09-04. Review status: criteria provided, single submitter. Criteria: GeneDx Variant Classification Process June 2021. Collection method: clinical testing. Allele origin: germline. Affected: yes.

Breakthrough Genomics
Classification: Benign. Review status: criteria provided, single submitter. Criteria: ACMG Guidelines, 2015. Collection method: not provided. Allele origin: germline. Inheritance: Unknown mechanism. Affected: yes.

NM_032588.4(TRIM63):c.598-36C>G

Gene: TRIM63 (tripartite motif containing 63; minus strand). Cytogenetic location: 1p36.11.
Variant type: single nucleotide variant.
Coding change: c.598-36C>G on transcript NM_032588.4 (MANE Select); 36 bases into the intron before coding-DNA position 598, C replaced by G.
Molecular consequence: intron variant.
Genome position (GRCh38, 1-based): chr1:26,058,659, G>C on the plus strand (C>G on the coding strand, the complement: TRIM63 is on the minus strand). VCF-style: chr1-26058659-G-C. GRCh37 (hg19) VCF-style: chr1-26385150-G-C.
Identifiers: ClinVar variation 1228184 (VCV001228184.5), dbSNP rs2275949, ClinGen allele CA699598.